The following is an entry in ClinVar:

NM_020223.4(FAM20C):c.1642C>T (p.Arg548Trp)

Gene: FAM20C (FAM20C golgi associated secretory pathway kinase; plus strand). Cytogenetic location: 7p22.3.
Variant type: single nucleotide variant.
Coding change: c.1642C>T on transcript NM_020223.4 (MANE Select); coding-DNA position 1642, C replaced by T.
Protein change: p.Arg548Trp; replaces arginine 548 with tryptophan.
Molecular consequence: missense variant.
Genome position (GRCh38, 1-based): chr7:259,867, C>T. VCF-style: chr7-259867-C-T. GRCh37 (hg19) VCF-style: chr7-299833-C-T.
Other names: short protein forms R548W.
Identifiers: ClinVar variation 2080667 (VCV002080667.2), dbSNP rs1053394665, ClinGen allele CA366526375.

ClinVar aggregate classification (germline): Uncertain significance (1 of 4 stars; one submission).

gnomAD v4.1: 23 of 1,536,170 alleles (0.0015%); highest among the groups gnomAD compares: Admixed American, 0.0059%; 1 homozygote.

Submission:

Labcorp Genetics (formerly Invitae), Labcorp
Classification: Uncertain significance. Last evaluated: 2022-04-09. Review status: criteria provided, single submitter. Criteria: Invitae Variant Classification Sherloc (09022015). Collection method: clinical testing. Allele origin: germline.
Comment: This sequence change replaces arginine, which is basic and polar, with tryptophan, which is neutral and slightly polar, at codon 548 of the FAM20C protein (p.Arg548Trp). This variant is present in population databases (no rsID available, gnomAD 0.01%). This variant has not been reported in the literature in individuals affected with FAM20C-related conditions. Algorithms developed to predict the effect of missense changes on protein structure and function (SIFT, PolyPhen-2, Align-GVGD) all suggest that this variant is likely to be disruptive. In summary, the available evidence is currently insufficient to determine the role of this variant in disease. Therefore, it has been classified as a Variant of Uncertain Significance.